The following is an entry in ClinVar:

ClinVar aggregate classification (germline): Pathogenic/Likely pathogenic. Review status: no assertion criteria provided (0 of 4 stars). 2 submissions from 2 submitters: Pathogenic (1); Likely pathogenic (1). Last evaluated 2017-06-07.

Conditions:
Autosomal recessive congenital ichthyosis 10 (ARCI10). Identifiers: Orphanet 79394, MedGen C3554355, MONDO:0014011, OMIM 615024.
Congenital ichthyosiform erythroderma. Identifiers: MedGen C0079583, HP:0007431.

Allele frequency attached by ClinVar (database versions not stated): gnomAD 0.00001; ESP Exome Variant Server 0.00008; TOPMed 0.00001; gnomAD exomes below 0.00001; ExAC 0.00001.
gnomAD v4.1: 6 of 1,613,944 alleles (0.00037%); highest among the groups gnomAD compares: Non-Finnish European, 0.00051%; no homozygotes.

Submissions (2):

Yale Center for Mendelian Genomics, Yale University
Classification: Pathogenic for Congenital ichthyosis. Last evaluated: 2017-06-07. Review status: no assertion criteria provided. Collection method: literature only. Allele origin: de novo. Affected: yes. Observed: 1 compound heterozygote.

Unité de Différenciation Epithéliale et Auto-Immunité Rhumatoïde, INSERM - Université Paul Sabatier
Classification: Likely pathogenic for Autosomal recessive congenital ichthyosis 10. Review status: no assertion criteria provided. Collection method: research, provider interpretation. Allele origin: germline. Inheritance: Autosomal recessive inheritance. Affected: yes and no. Observed: 2 variant alleles, 1 compound heterozygote.
Comment: This variant has been seen as a compound heterozygote in association with the variant : c.[350C>T], [p.Thr117Met]

Literature cited by the submitters: PubMed 28403545 (cited by Yale Center for Mendelian Genomics, Yale University); PubMed 28369476 (cited by Unité de Différenciation Epithéliale et Auto-Immunité Rhumatoïde, INSERM - Université Paul Sabatier).

NM_001374623.1(PNPLA1):c.335C>A (p.Ser112Tyr)

Gene: PNPLA1 (patatin like domain 1, omega-hydroxyceramide transacylase; plus strand). Cytogenetic location: 6p21.31.
Variant type: single nucleotide variant.
Coding change: c.335C>A on transcript NM_001374623.1 (MANE Select); coding-DNA position 335, C replaced by A.
Protein change: p.Ser112Tyr; replaces serine 112 with tyrosine.
Molecular consequence: missense variant.
Genome position (GRCh38, 1-based): chr6:36,291,449, C>A. VCF-style: chr6-36291449-C-A. GRCh37 (hg19) VCF-style: chr6-36259226-C-A.
Other names: c.335C>A, p.Ser112Tyr (NM_001145717.1); c.50C>A, p.Ser17Tyr (NM_001145716.2, NM_173676.2); short protein forms S112Y, S17Y.
Identifiers: ClinVar variation 375258 (VCV000375258.3), dbSNP rs369445146, ClinGen allele CA3777654.
Genomic context (GRCh38, chr6:36,291,449, plus strand): 5'-CGTCCTGTAAGATGGTGCAGATGATGAGGCAGTTTCTGTACCGGGTCCTGCCCGAGGACT[C>A]CTACAAGGTCACCACGGGGAAGCTCCATGTGAGCCTCACCCGCTTAACGGACGGGGAGAA-3'
Protein context (NP_001361552.1, residues 102-122): QFLYRVLPED[Ser112Tyr]YKVTTGKLHV